The following is an entry in ClinVar:

ClinVar aggregate classification (germline): Uncertain significance (1 of 4 stars; one submission).

Submission:

CeGaT Center for Human Genetics Tuebingen
Classification: Uncertain significance. Last evaluated: 2024-07-01. Review status: criteria provided, single submitter. Criteria: CeGaT Center For Human Genetics Tuebingen Variant Classification Criteria Version 2. Collection method: clinical testing. Allele origin: germline. Affected: yes. Observed: 1 variant allele.
Comment: KAT6B: PM2

NM_012330.4(KAT6B):c.626G>T (p.Arg209Leu)

Gene: KAT6B (lysine acetyltransferase 6B; plus strand). Cytogenetic location: 10q22.2.
Variant type: single nucleotide variant.
Coding change: c.626G>T on transcript NM_012330.4 (MANE Select); coding-DNA position 626, G replaced by T.
Protein change: p.Arg209Leu; replaces arginine 209 with leucine.
Molecular consequence: missense variant.
Genome position (GRCh38, 1-based): chr10:74,959,974, G>T. VCF-style: chr10-74959974-G-T. GRCh37 (hg19) VCF-style: chr10-76719732-G-T.
Other names: c.626G>T, p.Arg209Leu (NM_001256468.2, NM_001256469.2, NM_001370132.1 and 10 more transcripts); c.88G>T, p.Val30Leu (NM_001370134.1, NM_001370135.1); short protein forms R209L, V30L.
Identifiers: ClinVar variation 3257484 (VCV003257484.17).